The following is an entry in ClinVar:

ClinVar aggregate classification (germline): Likely pathogenic (1 of 4 stars; one submission).

Conditions:
Mucopolysaccharidosis, MPS-II (MPS2). Also called: Hunter Syndrome; IDURONATE 2-SULFATASE DEFICIENCY; Mucopolysaccharidosis Type II; Mucopolysaccharidosis type 2; Attenuated MPS (subtype; formerly known as mild MPS II); Severe MPS II. Identifiers: Orphanet 580, Orphanet 79388, MedGen C0026705, MONDO:0010674, OMIM 309900.

Submission:

Laboratory of Diagnosis and Therapy of Lysosomal Disorders, University of Padova
Classification: Likely pathogenic for Mucopolysaccharidosis, MPS-II. Last evaluated: 2024-06-07. Review status: criteria provided, single submitter. Criteria: ACMG Guidelines, 2015. Collection method: literature only. Allele origin: germline. Affected: yes. Observed: 2 variant alleles.
Comment: Null variant (PVS1_Strong), Absent from controls (or at low frequency) in gnomAD database (PM2_Moderate), Patient’s phenotype or family history highly specific for the disease (PP4_Moderate)

Classification method: ACMG Guidelines [PMID:25741868] with modifications

Literature cited by the submitters: PubMed 16133661.

NM_000202.8(IDS):c.1326dup (p.Arg443fs)

Gene: IDS (iduronate 2-sulfatase; minus strand). Cytogenetic location: Xq28.
Variant type: Duplication.
Coding change: c.1326dup on transcript NM_000202.8 (MANE Select); coding-DNA position 1326, one base duplicated (T; older notation c.1326dupT).
Protein change: p.Arg443fs; shifts the reading frame from arginine 443.
Molecular consequence: frameshift variant.
Genome position (GRCh38, 1-based): chrX:149,483,073, A duplicated on the plus strand (T on the coding strand, the reverse complement: IDS is on the minus strand); the first of 4 consecutive A bases (chrX:149,483,073-149,483,076); duplicating any one gives the same sequence. VCF-style (leftmost placement, unchanged base first): chrX-149483072-G-GA. GRCh37 (hg19) VCF-style: chrX-148564603-G-GA.
Other names: c.1056dup, p.Arg353fs (NM_001166550.4); short protein forms R353fs, R443fs.
Identifiers: ClinVar variation 3256027 (VCV003256027.2).